The following is an entry in ClinVar:

ClinVar aggregate classification (germline): Uncertain significance (0 of 4 stars; one submission).

Conditions:
SMARCA2-related disorder. Also called: SMARCA2-related condition.

Submission:

PreventionGenetics, part of Exact Sciences
Classification: Uncertain significance for SMARCA2-related condition. Last evaluated: 2023-11-14. Review status: no assertion criteria provided. Collection method: clinical testing. Allele origin: germline.
Comment: The SMARCA2 c.3797G>A variant is predicted to result in the amino acid substitution p.Arg1266Gln. To our knowledge, this variant has not been reported in the literature or in a large population database, indicating this variant is rare. At this time, the clinical significance of this variant is uncertain due to the absence of conclusive functional and genetic evidence.

NM_003070.5(SMARCA2):c.3797G>A (p.Arg1266Gln)

Gene: SMARCA2 (SWI/SNF related BAF chromatin remodeling complex subunit ATPase 2; plus strand). Cytogenetic location: 9p24.3.
Variant type: single nucleotide variant.
Coding change: c.3797G>A on transcript NM_003070.5 (MANE Select); coding-DNA position 3797, G replaced by A.
Protein change: p.Arg1266Gln; replaces arginine 1266 with glutamine.
Molecular consequence: missense variant.
Genome position (GRCh38, 1-based): chr9:2,123,753, G>A. VCF-style: chr9-2123753-G-A. GRCh37 (hg19) VCF-style: chr9-2123753-G-A.
Other names: c.3797G>A, p.Arg1266Gln (NM_001289396.2, NM_139045.4); c.3623G>A, p.Arg1208Gln (NM_001289397.2); short protein forms R1208Q, R1266Q.
Identifiers: ClinVar variation 3032602 (VCV003032602.2), dbSNP rs2537419999, ClinGen allele CA372790222.